The following is an entry in ClinVar:

NM_030665.4(RAI1):c.1944C>T (p.Ala648=)

Gene: RAI1 (retinoic acid induced 1; plus strand). Cytogenetic location: 17p11.2.
Variant type: single nucleotide variant.
Coding change: c.1944C>T on transcript NM_030665.4 (MANE Select); coding-DNA position 1944, C replaced by T.
Protein change: p.Ala648=; no amino-acid change (alanine 648 retained).
Molecular consequence: synonymous variant.
Genome position (GRCh38, 1-based): chr17:17,794,892, C>T. VCF-style: chr17-17794892-C-T. GRCh37 (hg19) VCF-style: chr17-17698206-C-T.
Other names: c.1944C>T (NM_030665.3).
Identifiers: ClinVar variation 1965622 (VCV001965622.6), dbSNP rs750279070, ClinGen allele CA8418427.

ClinVar aggregate classification (germline): Likely benign. Review status: criteria provided, single submitter (1 of 4 stars). 2 submissions from 2 submitters: Likely benign (1). 1 of the submissions does not count toward it. Last evaluated 2022-02-08.

Conditions:
RAI1-related disorder. Also called: RAI1-related condition.

Allele frequency attached by ClinVar (database versions not stated): ExAC 0.00001; gnomAD exomes 0.00001.
gnomAD v4.1: 7 of 1,613,514 alleles (0.00043%); highest among the groups gnomAD compares: Non-Finnish European, 0.00059%; no homozygotes.

Submissions (2):

Labcorp Genetics (formerly Invitae), Labcorp
Classification: Likely benign. Last evaluated: 2022-02-08. Review status: criteria provided, single submitter. Criteria: Invitae Variant Classification Sherloc (09022015). Collection method: clinical testing. Allele origin: germline.

PreventionGenetics, part of Exact Sciences
Classification: Likely benign for RAI1-related condition. Last evaluated: 2022-10-27. Review status: no assertion criteria provided. Collection method: clinical testing. Allele origin: germline. Not counted in ClinVar's aggregate classification.
Comment: This variant is classified as likely benign based on ACMG/AMP sequence variant interpretation guidelines (Richards et al. 2015 PMID: 25741868, with internal and published modifications).